The following is an entry in ClinVar:

NM_015047.3(EMC1):c.509+6G>A

Gene: EMC1 (ER membrane protein complex subunit 1; minus strand). Cytogenetic location: 1p36.13.
Variant type: single nucleotide variant.
Coding change: c.509+6G>A on transcript NM_015047.3 (MANE Select); 6 bases into the intron after coding-DNA position 509, G replaced by A.
Molecular consequence: intron variant.
Genome position (GRCh38, 1-based): chr1:19,242,339, C>T on the plus strand (G>A on the coding strand, the complement: EMC1 is on the minus strand). VCF-style: chr1-19242339-C-T. GRCh37 (hg19) VCF-style: chr1-19568833-C-T.
Other names: c.509+6G>A (NM_001375820.1, NM_015047.1, NM_001271427.2 and 2 more transcripts); c.443+6G>A (NM_001271429.2).
Identifiers: ClinVar variation 1352420 (VCV001352420.7), dbSNP rs775830695, ClinGen allele CA652891.
Genomic context (GRCh38, chr1:19,242,339, plus strand): 5'-GAGGAGAAAGAGGAGCTCCTAGAGAGTAGAACGAGGCAGCTATTGCCTGTGAGCAGGCAG[C>T]CTTACCTTTCTGGGAGATGTTCCACCCACTTGAGGTGCCCACTGGAGAGGTGATGGAGGG-3'

ClinVar aggregate classification (germline): Uncertain significance. Review status: criteria provided, multiple submitters, no conflicts (2 of 4 stars). 2 submissions from 2 submitters: Uncertain significance (2). Last evaluated 2026-01-25.

Conditions:
Inborn genetic diseases. Identifiers: MedGen C0950123, MeSH D030342.

Allele frequency attached by ClinVar (database versions not stated): gnomAD 0.00001; ExAC 0.00002; TOPMed 0.00003.
gnomAD v4.1: 26 of 1,614,028 alleles (0.0016%); highest among the groups gnomAD compares: Admixed American, 0.027%; no homozygotes.

Submissions (2):

Labcorp Genetics (formerly Invitae), Labcorp
Classification: Uncertain significance. Last evaluated: 2026-01-25. Review status: criteria provided, single submitter. Criteria: Invitae Variant Classification Sherloc (09022015). Collection method: clinical testing. Allele origin: germline.
Comment: This sequence change falls in intron 5 of the EMC1 gene. It does not directly change the encoded amino acid sequence of the EMC1 protein. It affects a nucleotide within the consensus splice site. This variant is present in population databases (rs775830695, gnomAD 0.03%). This variant has not been reported in the literature in individuals affected with EMC1-related conditions. ClinVar contains an entry for this variant (Variation ID: 1352420). Variants that disrupt the consensus splice site are a relatively common cause of aberrant splicing (PMID: 17576681, 9536098). Algorithms developed to predict the effect of sequence changes on RNA splicing suggest that this variant is not likely to affect RNA splicing. In summary, the available evidence is currently insufficient to determine the role of this variant in disease. Therefore, it has been classified as a Variant of Uncertain Significance.

Ambry Genetics
Classification: Uncertain significance for Inborn genetic diseases. Last evaluated: 2022-07-25. Review status: criteria provided, single submitter. Criteria: Ambry Variant Classification Scheme 2023. Collection method: clinical testing. Allele origin: germline.
Comment: The c.509+6G>A intronic alteration consists of a G to A substitution nucleotides after coding exon 5 in the EMC1 gene. Based on insufficient or conflicting evidence, the clinical significance of this alteration remains unclear.

Literature cited by the submitters: PubMed 17576681 (cited by Labcorp Genetics (formerly Invitae), Labcorp); PubMed 9536098 (cited by Labcorp Genetics (formerly Invitae), Labcorp).